The following is an entry in ClinVar:

ClinVar aggregate classification (germline): Uncertain significance (1 of 4 stars; one submission).

Conditions:
Hereditary cancer-predisposing syndrome. Also called: Hereditary Cancer Syndrome; Tumor predisposition; Hereditary neoplastic syndrome; Neoplastic Syndromes, Hereditary. Identifiers: Orphanet 140162, MedGen C0027672, MeSH D009386, MONDO:0015356.

Submission:

Ambry Genetics
Classification: Uncertain significance for Hereditary cancer-predisposing syndrome. Last evaluated: 2024-04-27. Review status: criteria provided, single submitter. Criteria: Ambry Variant Classification Scheme 2023. Collection method: clinical testing. Allele origin: germline.
Comment: The p.A1019E variant (also known as c.3056C>A), located in coding exon 19 of the BRIP1 gene, results from a C to A substitution at nucleotide position 3056. The alanine at codon 1019 is replaced by glutamic acid, an amino acid with dissimilar properties. This amino acid position is conserved. In addition, this alteration is predicted to be tolerated by in silico analysis. Based on the available evidence, the clinical significance of this variant remains unclear.

NM_032043.3(BRIP1):c.3056C>A (p.Ala1019Glu)

Gene: BRIP1 (BRCA1 interacting DNA helicase 1; minus strand). Cytogenetic location: 17q23.2.
Variant type: single nucleotide variant.
Coding change: c.3056C>A on transcript NM_032043.3 (MANE Select); coding-DNA position 3056, C replaced by A.
Protein change: p.Ala1019Glu; replaces alanine 1019 with glutamic acid.
Molecular consequence: missense variant.
Genome position (GRCh38, 1-based): chr17:61,683,990, G>T on the plus strand (C>A on the coding strand, the complement: BRIP1 is on the minus strand). VCF-style: chr17-61683990-G-T. GRCh37 (hg19) VCF-style: chr17-59761351-G-T.
Other names: short protein forms A1019E.
Identifiers: ClinVar variation 3261810 (VCV003261810.1).
Genomic context (GRCh38, chr17:61,683,990, plus strand): 5'-TCTGTTTTGAAACGGGGAGGACTAGAGGCACTATTCTCTGATGACCCGAGCTCAGGTGTT[G>T]CCTTCGGTATTTTACCAGTAAAATACTGTCCCAAAGAATTAAAGCTTGACCAGCTAACTC-3'
Protein context (NP_114432.2, residues 1009-1029): GQYFTGKIPK[Ala1019Glu]TPELGSSENS